The following is an entry in ClinVar:

ClinVar aggregate classification (germline): Likely benign (1 of 4 stars; one submission).

Allele frequency attached by ClinVar (database versions not stated): gnomAD 0.00003; gnomAD exomes 0.00008; 1000 Genomes Project 30x 0.00016; 1000 Genomes Project 0.00020; ExAC 0.00072.
gnomAD v4.1: 110 of 1,537,382 alleles (0.0072%); highest among the groups gnomAD compares: South Asian, 0.13%; 1 homozygote.

Submission:

CeGaT Center for Human Genetics Tuebingen
Classification: Likely benign. Last evaluated: 2024-05-01. Review status: criteria provided, single submitter. Criteria: CeGaT Center For Human Genetics Tuebingen Variant Classification Criteria Version 2. Collection method: clinical testing. Allele origin: germline. Affected: yes. Observed: 1 variant allele.
Comment: PIEZO2: BP4, BP7

NM_001378183.1(PIEZO2):c.3201A>T (p.Thr1067=)

Gene: PIEZO2 (piezo type mechanosensitive ion channel component 2; minus strand). Cytogenetic location: 18p11.22.
Variant type: single nucleotide variant.
Coding change: c.3201A>T on transcript NM_001378183.1 (MANE Select); coding-DNA position 3201, A replaced by T.
Protein change: p.Thr1067=; no amino-acid change (threonine 1067 retained).
Molecular consequence: synonymous variant.
Genome position (GRCh38, 1-based): chr18:10,762,548, T>A on the plus strand (A>T on the coding strand, the complement: PIEZO2 is on the minus strand). VCF-style: chr18-10762548-T-A. GRCh37 (hg19) VCF-style: chr18-10762546-T-A.
Other names: c.3201A>T, p.Thr1067= (NM_001410871.1); c.3126A>T, p.Thr1042= (NM_022068.4).
Identifiers: ClinVar variation 3239279 (VCV003239279.19), dbSNP rs552989428.